The following is an entry in ClinVar:

ClinVar aggregate classification (germline): Likely benign. Review status: criteria provided, single submitter (1 of 4 stars). 2 submissions from 2 submitters: Likely benign (1). 1 of the submissions does not count toward it. Last evaluated 2024-06-18.

Conditions:
CHD7-related disorder. Also called: CHD7-related condition.
CHARGE syndrome (CHARGE). Also called: Hittner Hirsch Kreh syndrome; Coloboma, heart anomaly, choanal atresia, retardation, genital and ear anomalies; CHARGE association; Hall-Hittner syndrome; CHARGE ASSOCIATION--COLOBOMA, HEART ANOMALY, CHOANAL ATRESIA, RETARDATION, GENITAL AND EAR ANOMALIES. Identifiers: Orphanet 138, MedGen C0265354, MONDO:0008965.

Allele frequency attached by ClinVar (database versions not stated): gnomAD exomes below 0.00001 and 0.00001; TOPMed below 0.00001.
gnomAD v4.1: 15 of 1,612,062 alleles (0.00093%); highest among the groups gnomAD compares: Middle Eastern, 0.017%; no homozygotes.

Submissions (2):

Labcorp Genetics (formerly Invitae), Labcorp
Classification: Likely benign for CHARGE syndrome. Last evaluated: 2024-06-18. Review status: criteria provided, single submitter. Criteria: Invitae Variant Classification Sherloc (09022015). Collection method: clinical testing. Allele origin: germline.

PreventionGenetics, part of Exact Sciences
Classification: Uncertain significance for CHD7-related condition. Last evaluated: 2024-03-11. Review status: no assertion criteria provided. Collection method: clinical testing. Allele origin: germline. Not counted in ClinVar's aggregate classification.
Comment: The CHD7 c.1260A>G variant is predicted to result in the amino acid substitution p.Ile420Met. To our knowledge, this variant has not been reported in the literature. This variant is reported in 0.0016% of alleles in individuals of European (Non-Finnish) descent in gnomAD. At this time, the clinical significance of this variant is uncertain due to the absence of conclusive functional and genetic evidence.

NM_017780.4(CHD7):c.1260A>G (p.Ile420Met)

Gene: CHD7 (chromodomain helicase DNA binding protein 7; plus strand). Cytogenetic location: 8q12.2.
Variant type: single nucleotide variant.
Coding change: c.1260A>G on transcript NM_017780.4 (MANE Select); coding-DNA position 1260, A replaced by G.
Protein change: p.Ile420Met; replaces isoleucine 420 with methionine.
Molecular consequence: missense variant.
Genome position (GRCh38, 1-based): chr8:60,742,692, A>G. VCF-style: chr8-60742692-A-G. GRCh37 (hg19) VCF-style: chr8-61655251-A-G.
Other names: c.1260A>G, p.Ile420Met (NM_001316690.1); short protein forms I420M.
Identifiers: ClinVar variation 949012 (VCV000949012.10), dbSNP rs1332728138, ClinGen allele CA371301974.